The following is an entry in ClinVar:

NM_207352.4(CYP4V2):c.1523G>A (p.Arg508His)

Gene: CYP4V2 (cytochrome P450 family 4 subfamily V member 2; plus strand). Cytogenetic location: 4q35.2.
Variant type: single nucleotide variant.
Coding change: c.1523G>A on transcript NM_207352.4 (MANE Select); coding-DNA position 1523, G replaced by A.
Protein change: p.Arg508His; replaces arginine 508 with histidine.
Molecular consequence: missense variant.
Genome position (GRCh38, 1-based): chr4:186,210,586, G>A. VCF-style: chr4-186210586-G-A. GRCh37 (hg19) VCF-style: chr4-187131740-G-A.
Other names: c.1827G>A; short protein forms R508H.
Identifiers: ClinVar variation 2189 (VCV000002189.13), dbSNP rs119103284, ClinGen allele CA339956.

ClinVar aggregate classification (germline): Conflicting classifications of pathogenicity. Review status: criteria provided, conflicting classifications (1 of 4 stars). 5 submissions from 5 submitters: Likely pathogenic (1); Uncertain significance (2). 2 of the submissions do not count toward it. Last evaluated 2022-07-11.

Conditions:
Bietti crystalline corneoretinal dystrophy (BCD). Also called: BIETTI TAPETORETINAL DEGENERATION WITH MARGINAL CORNEAL DYSTROPHY; Bietti Crystalline Dystrophy. Identifiers: Orphanet 41751, MedGen C1859486, MONDO:0008865, OMIM 210370.

Allele frequency attached by ClinVar (database versions not stated): ExAC 0.00003; gnomAD 0.00003; gnomAD exomes 0.00003 and 0.00004; TOPMed 0.00005.
gnomAD v4.1: 43 of 1,613,996 alleles (0.0027%); highest among the groups gnomAD compares: African/African-American, 0.0053%; no homozygotes.

Submissions (5):

Labcorp Genetics (formerly Invitae), Labcorp
Classification: Uncertain significance. Last evaluated: 2022-07-11. Review status: criteria provided, single submitter. Criteria: Invitae Variant Classification Sherloc (09022015). Collection method: clinical testing. Allele origin: germline.
Comment: In summary, the available evidence is currently insufficient to determine the role of this variant in disease. Therefore, it has been classified as a Variant of Uncertain Significance. Algorithms developed to predict the effect of missense changes on protein structure and function are either unavailable or do not agree on the potential impact of this missense change (SIFT: "Deleterious"; PolyPhen-2: "Probably Damaging"; Align-GVGD: "Class C0"). ClinVar contains an entry for this variant (Variation ID: 2189). This missense change has been observed in individual(s) with clinical features of Bietti crystalline corneoretinal dystrophy (PMID: 15042513; Invitae). This variant is present in population databases (rs119103284, gnomAD 0.008%). This sequence change replaces arginine, which is basic and polar, with histidine, which is basic and polar, at codon 508 of the CYP4V2 protein (p.Arg508His).

Blueprint Genetics
Classification: Uncertain significance. Last evaluated: 2021-09-25. Review status: criteria provided, single submitter. Criteria: ACMG Guidelines, 2015. Collection method: clinical testing. Allele origin: germline.

Centre for Mendelian Genomics, University Medical Centre Ljubljana
Classification: Likely pathogenic for Bietti crystalline corneoretinal dystrophy. Last evaluated: 2020-01-19. Review status: criteria provided, single submitter. Criteria: ACMG Guidelines, 2015. Collection method: clinical testing. Allele origin: unknown. Affected: yes.
Comment: This variant was classified as: Likely pathogenic. The following ACMG criteria were applied in classifying this variant: PS1,PM2,PP3.

GeneReviews
Classification: Pathogenic for Bietti Crystalline Dystrophy. Last evaluated: 2012-04-12. Review status: no assertion criteria provided. Collection method: curation. Allele origin: unknown. Not counted in ClinVar's aggregate classification.
ClinVar note: Converted during submission from pathologic to Pathogenic.

OMIM
Classification: Pathogenic for BIETTI CRYSTALLINE CORNEORETINAL DYSTROPHY. Last evaluated: 2004-05-01. Review status: no assertion criteria provided. Collection method: literature only. Allele origin: germline. Not counted in ClinVar's aggregate classification.

Literature cited by the submitters: PubMed 15042513 (cited by Labcorp Genetics (formerly Invitae), Labcorp and OMIM).